The following is an entry in ClinVar:

ClinVar aggregate classification (germline): Uncertain significance (1 of 4 stars; one submission).

Conditions:
Tuberous sclerosis 1 (TSC1). Identifiers: Orphanet 805, MedGen C1854465, MONDO:0008612, OMIM 191100.

Submission:

Labcorp Genetics (formerly Invitae), Labcorp
Classification: Uncertain significance for Tuberous sclerosis 1. Last evaluated: 2021-09-20. Review status: criteria provided, single submitter. Criteria: Invitae Variant Classification Sherloc (09022015). Collection method: clinical testing. Allele origin: germline.
Comment: In summary, the available evidence is currently insufficient to determine the role of this variant in disease. Therefore, it has been classified as a Variant of Uncertain Significance. Experimental studies and prediction algorithms are not available or were not evaluated, and the functional significance of this variant is currently unknown. This variant has not been reported in the literature in individuals affected with TSC1-related conditions. This variant results in a copy number gain of the genomic region encompassing exon(s) 1-7 of the TSC1 gene. This region includes the initiator codon of the gene. This copy number gain extends beyond the assayed region for this gene and therefore may encompass additional genes. As the precise location of this event is unknown, it may be in tandem or it may be located elsewhere in the genome.

NC_000009.11:g.(?_135797196)_(135820530_?)dup

Gene: TSC1 (TSC complex subunit 1; minus strand). Cytogenetic location: 9q34.13.
Variant type: Duplication.
Identifiers: ClinVar variation 1431387 (VCV001431387.4).